The following is an entry in ClinVar:

NM_212482.4(FN1):c.1367A>G (p.Gln456Arg)

Genes: FN1 (fibronectin 1; minus strand), LOC126806498 (CDK7 strongly-dependent group 2 enhancer GRCh37_chr2:216288045-216289244; plus strand). Cytogenetic location: 2q35.
Variant type: single nucleotide variant.
Coding change: c.1367A>G on transcript NM_212482.4 (MANE Select); coding-DNA position 1367, A replaced by G.
Protein change: p.Gln456Arg; replaces glutamine 456 with arginine.
Molecular consequence: missense variant.
Genome position (GRCh38, 1-based): chr2:215,423,376, T>C on the plus strand (A>G on the coding strand, the complement: FN1 is on the minus strand). VCF-style: chr2-215423376-T-C. GRCh37 (hg19) VCF-style: chr2-216288099-T-C.
Other names: c.1367A>G, p.Gln456Arg (NM_001306129.2, NM_001306130.2, NM_001306131.2 and 14 more transcripts); short protein forms Q456R.
Identifiers: ClinVar variation 3680880 (VCV003680880.2).

ClinVar aggregate classification (germline): Uncertain significance (1 of 4 stars; one submission).

gnomAD v4.1: 10 of 1,614,198 alleles (0.00062%); highest among the groups gnomAD compares: South Asian, 0.0022%; no homozygotes.

Submission:

Labcorp Genetics (formerly Invitae), Labcorp
Classification: Uncertain significance. Last evaluated: 2024-04-03. Review status: criteria provided, single submitter. Criteria: Invitae Variant Classification Sherloc (09022015). Collection method: clinical testing. Allele origin: germline.
Comment: This sequence change replaces glutamine, which is neutral and polar, with arginine, which is basic and polar, at codon 456 of the FN1 protein (p.Gln456Arg). This variant is present in population databases (rs755283481, gnomAD 0.003%). This variant has not been reported in the literature in individuals affected with FN1-related conditions. Advanced modeling of protein sequence and biophysical properties (such as structural, functional, and spatial information, amino acid conservation, physicochemical variation, residue mobility, and thermodynamic stability) performed at Invitae indicates that this missense variant is not expected to disrupt FN1 protein function with a negative predictive value of 80%. In summary, the available evidence is currently insufficient to determine the role of this variant in disease. Therefore, it has been classified as a Variant of Uncertain Significance.